The following is an entry in ClinVar:

ClinVar aggregate classification (germline): Uncertain significance (1 of 4 stars; one submission).

Conditions:
Cardiovascular phenotype. Identifiers: MedGen CN230736.
Hereditary cancer-predisposing syndrome. Also called: Neoplastic Syndromes, Hereditary; Tumor predisposition; Hereditary neoplastic syndrome; Hereditary Cancer Syndrome. Identifiers: Orphanet 140162, MedGen C0027672, MeSH D009386, MONDO:0015356.

Submission:

Ambry Genetics
Classification: Uncertain significance for Cardiovascular phenotype; Hereditary cancer-predisposing syndrome. Last evaluated: 2025-06-09. Review status: criteria provided, single submitter. Criteria: Ambry Variant Classification Scheme 2023. Collection method: clinical testing. Allele origin: germline.
Comment: The p.P1899S variant (also known as c.5695C>T), located in coding exon 38 of the NF1 gene, results from a C to T substitution at nucleotide position 5695. The proline at codon 1899 is replaced by serine, an amino acid with similar properties. This amino acid position is highly conserved in available vertebrate species. In addition, this alteration is predicted to be deleterious by in silico analysis. Based on the available evidence, the clinical significance of this variant remains unclear.

NM_001042492.3(NF1):c.5758C>T (p.Pro1920Ser)

Gene: NF1 (neurofibromin 1; plus strand). Cytogenetic location: 17q11.2.
Variant type: single nucleotide variant.
Coding change: c.5758C>T on transcript NM_001042492.3 (MANE Select); coding-DNA position 5758, C replaced by T.
Protein change: p.Pro1920Ser; replaces proline 1920 with serine.
Molecular consequence: missense variant.
Genome position (GRCh38, 1-based): chr17:31,330,444, C>T. VCF-style: chr17-31330444-C-T. GRCh37 (hg19) VCF-style: chr17-29657462-C-T.
Other names: c.5695C>T, p.Pro1899Ser (NM_000267.4); short protein forms P1899S, P1920S.
Identifiers: ClinVar variation 4037798 (VCV004037798.1).